The following is an entry in ClinVar:

NM_000092.5(COL4A4):c.1036C>T (p.Pro346Ser)

Gene: COL4A4 (collagen type IV alpha 4 chain; minus strand). Cytogenetic location: 2q36.3.
Variant type: single nucleotide variant.
Coding change: c.1036C>T on transcript NM_000092.5 (MANE Select); coding-DNA position 1036, C replaced by T.
Protein change: p.Pro346Ser; replaces proline 346 with serine.
Molecular consequence: missense variant.
Genome position (GRCh38, 1-based): chr2:227,099,683, G>A on the plus strand (C>T on the coding strand, the complement: COL4A4 is on the minus strand). VCF-style: chr2-227099683-G-A. GRCh37 (hg19) VCF-style: chr2-227964399-G-A.
Other names: short protein forms P346S.
Identifiers: ClinVar variation 1309537 (VCV001309537.3), dbSNP rs1042927949, ClinGen allele CA66559143.
Genomic context (GRCh38, chr2:227,099,683, plus strand): 5'-TGAGTGGAAGAGGTGGAGTCACCAAAACACCTGGTGGTCCTGGGTGCCCTCGATTTCCAG[G>A]ATCCCCCTGAAATCATTCATTCATTCACTTTTTAAAGGAATATTAATTTTACTCATGTTG-3'
Protein context (NP_000083.3, residues 336-356): LFGLIGPKGD[Pro346Ser]GNRGHPGPPG

ClinVar aggregate classification (germline): Uncertain significance. Review status: criteria provided, multiple submitters, no conflicts (2 of 4 stars). 2 submissions from 2 submitters: Uncertain significance (2). Last evaluated 2024-03-27.

Allele frequency attached by ClinVar (database versions not stated): gnomAD 0.00001; TOPMed 0.00001.
gnomAD v4.1: 4 of 1,613,792 alleles (0.00025%); highest among the groups gnomAD compares: African/African-American, 0.0027%; no homozygotes.

Submissions (2):

Labcorp Genetics (formerly Invitae), Labcorp
Classification: Uncertain significance. Last evaluated: 2024-03-27. Review status: criteria provided, single submitter. Criteria: Invitae Variant Classification Sherloc (09022015). Collection method: clinical testing. Allele origin: germline.
Comment: This sequence change replaces proline, which is neutral and non-polar, with serine, which is neutral and polar, at codon 346 of the COL4A4 protein (p.Pro346Ser). This variant is not present in population databases (gnomAD no frequency). This variant has not been reported in the literature in individuals affected with COL4A4-related conditions. ClinVar contains an entry for this variant (Variation ID: 1309537). Advanced modeling of protein sequence and biophysical properties (such as structural, functional, and spatial information, amino acid conservation, physicochemical variation, residue mobility, and thermodynamic stability) performed at Invitae indicates that this missense variant is not expected to disrupt COL4A4 protein function with a negative predictive value of 95%. In summary, the available evidence is currently insufficient to determine the role of this variant in disease. Therefore, it has been classified as a Variant of Uncertain Significance.

GeneDx
Classification: Uncertain significance. Last evaluated: 2019-10-22. Review status: criteria provided, single submitter. Criteria: GeneDx Variant Classification Process June 2021. Collection method: clinical testing. Allele origin: germline. Affected: yes.
Comment: Occurs in the triple helical domain at the Y position in the canonical Gly-X-Y repeat. Although this variant may have an effect on normal protein folding and function, missense substitution at the Y position is not a common mechanism of disease; Not observed in large population cohorts (Lek et al., 2016); In silico analysis, which includes protein predictors and evolutionary conservation, supports a deleterious effect; Has not been previously published as pathogenic or benign to our knowledge